The following is an entry in ClinVar:

ClinVar aggregate classification (germline): Pathogenic (1 of 4 stars; one submission).

Submission:

GeneDx
Classification: Pathogenic. Last evaluated: 2017-07-13. Review status: criteria provided, single submitter. Criteria: GeneDx Variant Classification (06012015). Collection method: clinical testing. Allele origin: germline. Affected: yes.
Comment: The c.6682delG variant in the CDH23 gene has not been reported previously as a pathogenic variant nor as a benign variant, to our knowledge. This variant causes a frameshift starting with codon Glutamic acid, changes this amino acid to an Arginine residue, and creates a premature Stop codon at position 6 of the new reading frame, denoted p.Glu2228ArgfsX6. The c.6682delG variant is predicted to cause loss of normal protein function either through protein truncation or nonsense-mediated mRNA decay. This variant is not observed in large population cohorts (Lek et al., 2016; 1000 Genomes Consortium et al., 2015; Exome Variant Server). We interpret c.6682delG as a pathogenic variant.

NM_022124.6(CDH23):c.6682del (p.Glu2228fs)

Gene: CDH23 (cadherin related 23; plus strand). Cytogenetic location: 10q22.1.
Variant type: Deletion.
Coding change: c.6682del on transcript NM_022124.6 (MANE Select); coding-DNA position 6682, one base deleted (G; older notation c.6682delG).
Protein change: p.Glu2228fs; shifts the reading frame from glutamic acid 2228.
Molecular consequence: frameshift variant.
Genome position (GRCh38, 1-based): chr10:71,793,610, G deleted; the last of 2 consecutive G bases (chr10:71,793,609-71,793,610); deleting either gives the same sequence. VCF-style (leftmost placement, unchanged base first): chr10-71793608-AG-A. GRCh37 (hg19) VCF-style: chr10-73553365-AG-A.
Other names: short protein forms E2228fs.
Identifiers: ClinVar variation 450646 (VCV000450646.2), dbSNP rs1554874884, ClinGen allele CA658656076.